The following is an entry in ClinVar:

ClinVar aggregate classification (germline): Pathogenic. Review status: criteria provided, multiple submitters, no conflicts (2 of 4 stars). 2 submissions from 2 submitters: Pathogenic (2). Last evaluated 2022-07-06.

Conditions:
RYR1-related disorder. Also called: RYR1-related condition; RYR1-related disorders. Identifiers: MedGen CN239331.

Submissions (2):

Labcorp Genetics (formerly Invitae), Labcorp
Classification: Pathogenic for RYR1-related disorder. Last evaluated: 2022-07-06. Review status: criteria provided, single submitter. Criteria: Invitae Variant Classification Sherloc (09022015). Collection method: clinical testing. Allele origin: germline.
Comment: This sequence change creates a premature translational stop signal (p.Asp1328*) in the RYR1 gene. It is expected to result in an absent or disrupted protein product. Loss-of-function variants in RYR1 are known to be pathogenic (PMID: 20583297, 20839240, 23919265, 28818389). This variant is not present in population databases (gnomAD no frequency). This variant has not been reported in the literature in individuals affected with RYR1-related conditions. ClinVar contains an entry for this variant (Variation ID: 498778). For these reasons, this variant has been classified as Pathogenic.

Eurofins Ntd Llc (ga)
Classification: Pathogenic. Last evaluated: 2017-01-04. Review status: criteria provided, single submitter. Criteria: EGL Classification Definitions 2015. Collection method: clinical testing. Allele origin: germline. Observed: 1 variant allele, 1 heterozygote.

Literature cited by the submitters: PubMed 20583297 (cited by Labcorp Genetics (formerly Invitae), Labcorp); PubMed 20839240 (cited by Labcorp Genetics (formerly Invitae), Labcorp); PubMed 23919265 (cited by Labcorp Genetics (formerly Invitae), Labcorp); PubMed 28818389 (cited by Labcorp Genetics (formerly Invitae), Labcorp).

NM_000540.3(RYR1):c.3982_3986del (p.Pro1327_Asp1328insTer)

Gene: RYR1 (ryanodine receptor 1; plus strand). Cytogenetic location: 19q13.2.
Variant type: Deletion.
Coding change: c.3982_3986del on transcript NM_000540.3 (MANE Select); coding-DNA positions 3982 to 3986, 5 bases deleted (GACCC; older notation c.3982_3986delGACCC).
Protein change: p.Pro1327_Asp1328insTer.
Molecular consequence: nonsense.
Genome position (GRCh38, 1-based): chr19:38,473,593-38,473,597, GACCC deleted; deleting any 5 consecutive bases within chr19:38,473,589-38,473,597 gives the same sequence; the c. name uses the placement nearest the transcript's 3' end. VCF-style (leftmost placement, unchanged base first): chr19-38473588-AACCCG-A. GRCh37 (hg19) VCF-style: chr19-38964228-AACCCG-A.
Other names: c.3982_3986del, p.Pro1327_Asp1328insTer (NM_001042723.2).
Identifiers: ClinVar variation 498778 (VCV000498778.10), dbSNP rs1555775774, ClinGen allele CA658799194.
Genomic context (GRCh38, chr19:38,473,588, plus strand): 5'-CCACCCCGCTGGCACCTCCTGGCCTGCAGCCCCCCGCCGAGGACGAGGCCCGGGCGGCGG[AACCCG>A]ACCCTGACTACGAAAACCTGCGCCGCTCAGCTGGGGGCTGGAGCGAGGCAGAGAACGGCA-3'